The following is an entry in ClinVar:

ClinVar aggregate classification (germline): Uncertain significance (1 of 4 stars; one submission).

Conditions:
Severe combined immunodeficiency due to DNA-PKcs deficiency. Also called: IMMUNODEFICIENCY 26 WITH NEUROLOGIC ABNORMALITIES; Immunodeficiency 26 with or without neurologic abnormalities. Identifiers: Orphanet 317425, MedGen C4014833, MONDO:0014423, OMIM 615966.

Allele frequency attached by ClinVar (database versions not stated): gnomAD exomes 0.00001; TOPMed 0.00001.
gnomAD v4.1: 12 of 1,549,302 alleles (0.00077%); highest among the groups gnomAD compares: Middle Eastern, 0.017%; no homozygotes.

Submission:

Labcorp Genetics (formerly Invitae), Labcorp
Classification: Uncertain significance for Severe combined immunodeficiency due to DNA-PKcs deficiency. Last evaluated: 2021-08-24. Review status: criteria provided, single submitter. Criteria: Invitae Variant Classification Sherloc (09022015). Collection method: clinical testing. Allele origin: germline.
Comment: This sequence change falls in intron 16 of the PRKDC gene. It does not directly change the encoded amino acid sequence of the PRKDC protein. This variant is not present in population databases (ExAC no frequency). This variant has not been reported in the literature in individuals affected with PRKDC-related conditions. Algorithms developed to predict the effect of sequence changes on RNA splicing suggest that this variant may create or strengthen a splice site. In summary, the available evidence is currently insufficient to determine the role of this variant in disease. Therefore, it has been classified as a Variant of Uncertain Significance.

NM_006904.7(PRKDC):c.1777-13A>G

Gene: PRKDC (protein kinase, DNA-activated, catalytic subunit; minus strand). Cytogenetic location: 8q11.21.
Variant type: single nucleotide variant.
Coding change: c.1777-13A>G on transcript NM_006904.7 (MANE Select); 13 bases into the intron before coding-DNA position 1777, A replaced by G.
Molecular consequence: intron variant.
Genome position (GRCh38, 1-based): chr8:47,930,800, T>C on the plus strand (A>G on the coding strand, the complement: PRKDC is on the minus strand). VCF-style: chr8-47930800-T-C. GRCh37 (hg19) VCF-style: chr8-48843360-T-C.
Other names: c.1777-13A>G (NM_001081640.2).
Identifiers: ClinVar variation 1392017 (VCV001392017.5), dbSNP rs1416939898, ClinGen allele CA581668614.
Genomic context (GRCh38, chr8:47,930,800, plus strand): 5'-TGGATCTGAAGTTGGGATCATCCAAACACCAGGCGCCTCATCTCCATTCTTAAAGAGTAA[T>C]TGTAGCAAAGAAACATTGTACCATTCAATCACGAATCACTCAACAAATAACTTTCCAACT-3'